The following is an entry in ClinVar:

NM_007272.3(CTRC):c.369C>T (p.Ala123=)

Gene: CTRC (chymotrypsin C; plus strand). Cytogenetic location: 1p36.21.
Variant type: single nucleotide variant.
Coding change: c.369C>T on transcript NM_007272.3 (MANE Select); coding-DNA position 369, C replaced by T.
Protein change: p.Ala123=; no amino-acid change (alanine 123 retained).
Molecular consequence: synonymous variant.
Genome position (GRCh38, 1-based): chr1:15,443,431, C>T. VCF-style: chr1-15443431-C-T. GRCh37 (hg19) VCF-style: chr1-15769926-C-T.
Identifiers: ClinVar variation 699869 (VCV000699869.16), dbSNP rs749606141, ClinGen allele CA613333.

ClinVar aggregate classification (germline): Conflicting classifications of pathogenicity. Review status: criteria provided, conflicting classifications (1 of 4 stars). 3 submissions from 3 submitters: Uncertain significance (1); Benign (1); Likely benign (1). Last evaluated 2025-12-09.

Conditions:
Hereditary pancreatitis (PCTT). Also called: Hereditary chronic pancreatitis; PRSS1-Related Hereditary Pancreatitis. Identifiers: Orphanet 676, MedGen C0238339, MONDO:0008185, OMIM 167800.

Allele frequency attached by ClinVar (database versions not stated): gnomAD 0.00001 and 0.00003; TOPMed 0.00001; gnomAD exomes 0.00004 and 0.00005; ExAC 0.00005.

Submissions (3):

Ambry Genetics
Classification: Uncertain significance for Hereditary pancreatitis. Last evaluated: 2025-12-09. Review status: criteria provided, single submitter. Criteria: Ambry Variant Classification Scheme 2023. Collection method: clinical testing. Allele origin: germline.
Comment: The c.369C>T variant (also known as p.A123A), located in coding exon 5 of the CTRC gene, results from a C to T substitution at nucleotide position 369. This nucleotide substitution does not change the alanine at codon 123. This nucleotide position is not well conserved in available vertebrate species. In silico splice site analysis predicts that this alteration may result in the creation or strengthening of a novel splice acceptor site. Based on the available evidence, the clinical significance of this variant remains unclear.

Labcorp Genetics (formerly Invitae), Labcorp
Classification: Likely benign for Hereditary pancreatitis. Last evaluated: 2025-09-15. Review status: criteria provided, single submitter. Criteria: Invitae Variant Classification Sherloc (09022015). Collection method: clinical testing. Allele origin: germline.

Illumina Laboratory Services, Illumina
Classification: Benign for Hereditary pancreatitis. Last evaluated: 2018-01-13. Review status: criteria provided, single submitter. Criteria: ICSL Variant Classification Criteria 13 December 2019. Collection method: clinical testing. Allele origin: germline.
Comment: This variant was observed in the ICSL laboratory as part of a predisposition screen in an ostensibly healthy population. It had not been previously curated by ICSL or reported in the Human Gene Mutation Database (HGMD: prior to June 1st, 2018), and was therefore a candidate for classification through an automated scoring system. Utilizing variant allele frequency, disease prevalence and penetrance estimates, and inheritance mode, an automated score was calculated to assess if this variant is too frequent to cause the disease. Based on the score and internal cut-off values, a variant classified as benign is not then subjected to further curation. The score for this variant resulted in a classification of benign for this disease.